The following is an entry in ClinVar:

ClinVar aggregate classification (germline): Uncertain significance. Review status: criteria provided, multiple submitters, no conflicts (2 of 4 stars). 2 submissions from 2 submitters: Uncertain significance (2). Last evaluated 2025-09-15.

Conditions:
Cardiovascular phenotype. Identifiers: MedGen CN230736.
Myofibrillar myopathy 4. Also called: Zaspopathy (type). Identifiers: Orphanet 98912, MedGen C4721886, MONDO:0012277, OMIM 609452.

Allele frequency attached by ClinVar (database versions not stated): TOPMed 0.00001.
gnomAD v4.1: 22 of 1,612,988 alleles (0.0014%); highest among the groups gnomAD compares: South Asian, 0.0033%; no homozygotes.

Submissions (2):

Labcorp Genetics (formerly Invitae), Labcorp
Classification: Uncertain significance for Myofibrillar myopathy 4. Last evaluated: 2025-09-15. Review status: criteria provided, single submitter. Criteria: Invitae Variant Classification Sherloc (09022015). Collection method: clinical testing. Allele origin: germline.
Comment: The LDB3 gene has multiple clinically relevant transcripts. This variant occurs in alternate transcript NM_007078.3 and corresponds to NM_001080116.1:c.321+1426G>A in the primary transcript. This sequence change replaces glutamic acid, which is acidic and polar, with lysine, which is basic and polar, at codon 157 of the LDB3 protein (p.Glu157Lys). This variant is present in population databases (rs770678454, gnomAD 0.003%). This variant has not been reported in the literature in individuals affected with LDB3-related conditions. ClinVar contains an entry for this variant (Variation ID: 519179). Experimental studies and prediction algorithms are not available or were not evaluated, and the functional significance of this variant is currently unknown. Algorithms developed to predict the effect of sequence changes on RNA splicing suggest that this variant is not likely to affect RNA splicing. In summary, the available evidence is currently insufficient to determine the role of this variant in disease. Therefore, it has been classified as a Variant of Uncertain Significance.

Ambry Genetics
Classification: Uncertain significance for Cardiovascular phenotype. Last evaluated: 2024-06-12. Review status: criteria provided, single submitter. Criteria: Ambry Variant Classification Scheme 2023. Collection method: clinical testing. Allele origin: germline.
Comment: The p.E157K variant (also known as c.469G>A), located in coding exon 4 of the LDB3 gene, results from a G to A substitution at nucleotide position 469. The glutamic acid at codon 157 is replaced by lysine, an amino acid with similar properties. This amino acid position is not well conserved in available vertebrate species. In addition, this alteration is predicted to be tolerated by in silico analysis. Since supporting evidence is limited at this time, the clinical significance of this alteration remains unclear.

NM_007078.3(LDB3):c.469G>A (p.Glu157Lys)

Gene: LDB3 (LIM domain binding 3; plus strand). Cytogenetic location: 10q23.2.
Variant type: single nucleotide variant.
Coding change: c.469G>A on transcript NM_007078.3 (MANE Select); coding-DNA position 469, G replaced by A.
Protein change: p.Glu157Lys; replaces glutamic acid 157 with lysine.
Molecular consequence: missense variant. On other transcripts: intron variant (5).
Genome position (GRCh38, 1-based): chr10:86,681,583, G>A. VCF-style: chr10-86681583-G-A. GRCh37 (hg19) VCF-style: chr10-88441340-G-A.
Other names: c.469G>A, p.Glu157Lys (NM_001080115.2, NM_001171610.2, NM_001171611.2 and 3 more transcripts); c.321+1426G>A (NM_001368068.1, NM_001368066.1, NM_001080114.2 and 2 more transcripts); short protein forms E157K.
Identifiers: ClinVar variation 519179 (VCV000519179.15), dbSNP rs770678454, ClinGen allele CA5584711.